The following is an entry in ClinVar:

ClinVar aggregate classification (germline): Uncertain significance (1 of 4 stars; one submission).

Conditions:
Deficiency of 3-hydroxyacyl-CoA dehydrogenase. Also called: HADH DEFICIENCY; 3-hydroxyacyl-CoA dehydrogenase deficiency. Identifiers: Orphanet 309127, Orphanet 71212, MedGen C1291230, MONDO:0017715, OMIM 231530.

Submission:

Labcorp Genetics (formerly Invitae), Labcorp
Classification: Uncertain significance for Deficiency of 3-hydroxyacyl-CoA dehydrogenase. Last evaluated: 2024-02-02. Review status: criteria provided, single submitter. Criteria: Invitae Variant Classification Sherloc (09022015). Collection method: clinical testing. Allele origin: germline.
Comment: This sequence change replaces leucine, which is neutral and non-polar, with tryptophan, which is neutral and slightly polar, at codon 197 of the HADH protein (p.Leu197Trp). This variant is not present in population databases (gnomAD no frequency). This variant has not been reported in the literature in individuals affected with HADH-related conditions. Advanced modeling of protein sequence and biophysical properties (such as structural, functional, and spatial information, amino acid conservation, physicochemical variation, residue mobility, and thermodynamic stability) performed at Invitae indicates that this missense variant is expected to disrupt HADH protein function with a positive predictive value of 80%. In summary, the available evidence is currently insufficient to determine the role of this variant in disease. Therefore, it has been classified as a Variant of Uncertain Significance.

NM_005327.7(HADH):c.590T>G (p.Leu197Trp)

Gene: HADH (hydroxyacyl-CoA dehydrogenase; plus strand). Cytogenetic location: 4q25.
Variant type: single nucleotide variant.
Coding change: c.590T>G on transcript NM_005327.7 (MANE Select); coding-DNA position 590, T replaced by G.
Protein change: p.Leu197Trp; replaces leucine 197 with tryptophan.
Molecular consequence: missense variant.
Genome position (GRCh38, 1-based): chr4:108,023,517, T>G. VCF-style: chr4-108023517-T-G. GRCh37 (hg19) VCF-style: chr4-108944673-T-G.
Other names: c.590T>G, p.Leu197Trp (NM_001184705.4); c.602T>G, p.Leu201Trp (NM_001331027.2); short protein forms L201W, L197W.
Identifiers: ClinVar variation 3638483 (VCV003638483.2).